The following is an entry in ClinVar:

NM_000440.3(PDE6A):c.2338G>A (p.Val780Ile)

Gene: PDE6A (phosphodiesterase 6A; minus strand). Cytogenetic location: 5q32.
Variant type: single nucleotide variant.
Coding change: c.2338G>A on transcript NM_000440.3 (MANE Select); coding-DNA position 2338, G replaced by A.
Protein change: p.Val780Ile; replaces valine 780 with isoleucine.
Molecular consequence: missense variant.
Genome position (GRCh38, 1-based): chr5:149,866,190, C>T on the plus strand (G>A on the coding strand, the complement: PDE6A is on the minus strand). VCF-style: chr5-149866190-C-T. GRCh37 (hg19) VCF-style: chr5-149245753-C-T.
Other names: c.2095G>A, p.Val699Ile (NM_001410788.1); short protein forms V780I, V699I.
Identifiers: ClinVar variation 1992875 (VCV001992875.5), dbSNP rs1561676688, ClinGen allele CA361687751.

ClinVar aggregate classification (germline): Uncertain significance. Review status: criteria provided, multiple submitters, no conflicts (2 of 4 stars). 2 submissions from 2 submitters: Uncertain significance (2). Last evaluated 2023-10-01.

Conditions:
Retinal dystrophy. Also called: Inherited retinal dystrophy. Identifiers: Orphanet 71862, MedGen C0854723, MeSH D058499, MONDO:0019118, HP:0000556.

Allele frequency attached by ClinVar (database versions not stated): gnomAD exomes 0.00001; TOPMed 0.00001.
gnomAD v4.1: 7 of 1,614,072 alleles (0.00043%); highest among the groups gnomAD compares: East Asian, 0.016%; no homozygotes.

Submissions (2):

Dept Of Ophthalmology, Nagoya University
Classification: Uncertain significance for Retinal dystrophy. Last evaluated: 2023-10-01. Review status: criteria provided, single submitter. Criteria: Submitter's publication. Collection method: research. Allele origin: germline. Affected: yes.

Labcorp Genetics (formerly Invitae), Labcorp
Classification: Uncertain significance. Last evaluated: 2022-10-17. Review status: criteria provided, single submitter. Criteria: Invitae Variant Classification Sherloc (09022015). Collection method: clinical testing. Allele origin: germline.
Comment: Advanced modeling of protein sequence and biophysical properties (such as structural, functional, and spatial information, amino acid conservation, physicochemical variation, residue mobility, and thermodynamic stability) performed at Invitae indicates that this missense variant is not expected to disrupt PDE6A protein function. In summary, the available evidence is currently insufficient to determine the role of this variant in disease. Therefore, it has been classified as a Variant of Uncertain Significance. This variant has not been reported in the literature in individuals affected with PDE6A-related conditions. This variant is not present in population databases (gnomAD no frequency). This sequence change replaces valine, which is neutral and non-polar, with isoleucine, which is neutral and non-polar, at codon 780 of the PDE6A protein (p.Val780Ile).